The following is an entry in ClinVar:

ClinVar aggregate classification (germline): Likely benign (1 of 4 stars; one submission).

Allele frequency attached by ClinVar (database versions not stated): 1000 Genomes Project 30x 0.00062; 1000 Genomes Project 0.00080; gnomAD 0.00169; TOPMed 0.00181; ExAC 0.00184; ESP Exome Variant Server 0.00246; gnomAD exomes 0.00268.
gnomAD v4.1: 4,256 of 1,613,866 alleles (0.26%); highest among the groups gnomAD compares: Middle Eastern, 0.33%; 22 homozygotes.

Submission:

CeGaT Center for Human Genetics Tuebingen
Classification: Likely benign. Last evaluated: 2022-09-01. Review status: criteria provided, single submitter. Criteria: CeGaT Center For Human Genetics Tuebingen Variant Classification Criteria Version 2. Collection method: clinical testing. Allele origin: germline. Affected: yes. Observed: 2 variant alleles.
Comment: CYP2J2: BP4, BP7

NM_000775.4(CYP2J2):c.336C>T (p.Pro112=)

Genes: CYP2J2 (cytochrome P450 family 2 subfamily J member 2; minus strand), LOC126805741 (MED14-independent group 3 enhancer GRCh37_chr1:60380537-60381736; plus strand). Cytogenetic location: 1p32.1.
Variant type: single nucleotide variant.
Coding change: c.336C>T on transcript NM_000775.4 (MANE Select); coding-DNA position 336, C replaced by T.
Protein change: p.Pro112=; no amino-acid change (proline 112 retained).
Molecular consequence: synonymous variant. On other transcripts: non-coding transcript variant (2).
Genome position (GRCh38, 1-based): chr1:59,915,975, G>A on the plus strand (C>T on the coding strand, the complement: CYP2J2 is on the minus strand). VCF-style: chr1-59915975-G-A. GRCh37 (hg19) VCF-style: chr1-60381647-G-A.
Identifiers: ClinVar variation 2638851 (VCV002638851.24), dbSNP rs138732194, ClinGen allele CA880207.